The following is an entry in ClinVar:

ClinVar aggregate classification (germline): Uncertain significance. Review status: criteria provided, single submitter (1 of 4 stars). 2 submissions from 2 submitters: Uncertain significance (1). 1 of the submissions does not count toward it. Last evaluated 2023-04-15.

Conditions:
Intellectual disability. Also called: intellectual disabilities; Intellectual developmental disorder; Intellectual functioning disability. Identifiers: MedGen C3714756, MeSH D008607, MONDO:0001071, HP:0001249.

Allele frequency attached by ClinVar (database versions not stated): gnomAD exomes 0.00001; TOPMed below 0.00001; ExAC 0.00001; gnomAD 0.00001.
gnomAD v4.1: 8 of 1,613,074 alleles (0.0005%); highest among the groups gnomAD compares: Non-Finnish European, 0.00068%; no homozygotes.

Submissions (2):

Labcorp Genetics (formerly Invitae), Labcorp
Classification: Uncertain significance. Last evaluated: 2023-04-15. Review status: criteria provided, single submitter. Criteria: Invitae Variant Classification Sherloc (09022015). Collection method: clinical testing. Allele origin: germline.
Comment: In summary, the available evidence is currently insufficient to determine the role of this variant in disease. Therefore, it has been classified as a Variant of Uncertain Significance. This sequence change replaces threonine, which is neutral and polar, with isoleucine, which is neutral and non-polar, at codon 427 of the ANKH protein (p.Thr427Ile). This variant is present in population databases (rs200410815, gnomAD 0.003%). This variant has not been reported in the literature in individuals affected with ANKH-related conditions. ClinVar contains an entry for this variant (Variation ID: 975642). Advanced modeling of protein sequence and biophysical properties (such as structural, functional, and spatial information, amino acid conservation, physicochemical variation, residue mobility, and thermodynamic stability) performed at Invitae indicates that this missense variant is not expected to disrupt ANKH protein function.

Centre de Biologie Pathologie Génétique, Centre Hospitalier Universitaire de Lille
Classification: Likely benign for Intellectual disability. Last evaluated: 2019-01-01. Review status: no assertion criteria provided. Collection method: clinical testing. Allele origin: inherited. Affected: yes. Not counted in ClinVar's aggregate classification.

NM_054027.6(ANKH):c.1280C>T (p.Thr427Ile)

Genes: OTULIN (OTU deubiquitinase with linear linkage specificity; plus strand), ANKH (ANKH inorganic pyrophosphate transport regulator; minus strand), LOC100130744 (uncharacterized LOC100130744; plus strand). Cytogenetic location: 5p15.2.
Variant type: single nucleotide variant.
Coding change: c.1280C>T on transcript NM_054027.6 (MANE Select); coding-DNA position 1280, C replaced by T.
Protein change: p.Thr427Ile; replaces threonine 427 with isoleucine.
Molecular consequence: missense variant. On other transcripts: non-coding transcript variant (1).
Genome position (GRCh38, 1-based): chr5:14,712,959, G>A on the plus strand (C>T on the coding strand, the complement: ANKH is on the minus strand). VCF-style: chr5-14712959-G-A. GRCh37 (hg19) VCF-style: chr5-14713068-G-A.
Other names: short protein forms T427I.
Identifiers: ClinVar variation 975642 (VCV000975642.4), dbSNP rs200410815, ClinGen allele CA3208854.